The following is an entry in ClinVar:

ClinVar aggregate classification (germline): Conflicting classifications of pathogenicity. Review status: criteria provided, conflicting classifications (1 of 4 stars). 4 submissions from 4 submitters: Uncertain significance (1); Likely benign (2). 1 of the submissions does not count toward it. Last evaluated 2026-01-11.

Conditions:
PSTPIP1-related disorder. Also called: PSTPIP1-related condition.
Pyogenic arthritis-pyoderma gangrenosum-acne syndrome (PAPA). Also called: PAPA SYNDROME; FAMILIAL RECURRENT ARTHRITIS. Identifiers: Orphanet 69126, MedGen C1858361, MONDO:0011462, OMIM 604416.

Allele frequency attached by ClinVar (database versions not stated): 1000 Genomes Project 0.00020; 1000 Genomes Project 30x 0.00031; TOPMed 0.00036; ESP Exome Variant Server 0.00048.
gnomAD v4.1: 232 of 1,612,666 alleles (0.014%); highest among the groups gnomAD compares: African/African-American, 0.064%; no homozygotes.

Submissions (4):

Labcorp Genetics (formerly Invitae), Labcorp
Classification: Likely benign for Pyogenic arthritis-pyoderma gangrenosum-acne syndrome. Last evaluated: 2026-01-11. Review status: criteria provided, single submitter. Criteria: Invitae Variant Classification Sherloc (09022015). Collection method: clinical testing. Allele origin: germline.

PreventionGenetics, part of Exact Sciences
Classification: Uncertain significance for PSTPIP1-related condition. Last evaluated: 2025-01-21. Review status: criteria provided, single submitter. Criteria: ACMG Guidelines, 2015. Collection method: clinical testing. Allele origin: germline.
Comment: The PSTPIP1 c.796G>A variant is predicted to result in the amino acid substitution p.Asp266Asn. This variant has been reported to be associated with PAPA syndrome (Waite et al. 2009. PubMed ID: 19584923), however in silico analyses suggest this variant does not impact protein function. This variant is reported in 0.075% of alleles in individuals of African descent in gnomAD, which may be too common to be causative. In addition, this variant has conflicting interpretations regarding its pathogenicity in ClinVar, ranging from uncertain significance to likely benign. At this time, the clinical significance of this variant is uncertain due to the absence of conclusive functional and genetic evidence.

GeneDx
Classification: Likely benign. Last evaluated: 2019-08-26. Review status: criteria provided, single submitter. Criteria: GeneDx Variant Classification Process June 2021. Collection method: clinical testing. Allele origin: germline. Affected: yes.
Comment: In silico analysis, which includes protein predictors and evolutionary conservation, supports that this variant does not alter protein structure/function; This variant is associated with the following publications: (PMID: 19584923, 23426477)

Unité médicale des maladies autoinflammatoires, CHRU Montpellier
No classification provided. Condition: Pyogenic arthritis, pyoderma gangrenosum and acne. Review status: no classification provided. Collection method: not provided. Allele origin: unknown. Not counted in ClinVar's aggregate classification.

NM_003978.5(PSTPIP1):c.796G>A (p.Asp266Asn)

Gene: PSTPIP1 (proline-serine-threonine phosphatase interacting protein 1; plus strand). Cytogenetic location: 15q24.3.
Variant type: single nucleotide variant.
Coding change: c.796G>A on transcript NM_003978.5 (MANE Select); coding-DNA position 796, G replaced by A.
Protein change: p.Asp266Asn; replaces aspartic acid 266 with asparagine.
Molecular consequence: missense variant.
Genome position (GRCh38, 1-based): chr15:77,032,352, G>A. VCF-style: chr15-77032352-G-A. GRCh37 (hg19) VCF-style: chr15-77324693-G-A.
Other names: c.796G>A, p.Asp266Asn (NM_001321135.2); c.769G>A, p.Asp257Asn (NM_001321136.2); c.991G>A, p.Asp331Asn (NM_001321137.1); c.796G>A (NM_003978.4); short protein forms D266N, D331N, D257N.
Identifiers: ClinVar variation 97811 (VCV000097811.15), dbSNP rs104895418, ClinGen allele CA150159.